The following is an entry in ClinVar:

ClinVar aggregate classification (germline): Uncertain significance (1 of 4 stars; one submission).

Conditions:
Epidermolysis bullosa simplex with nail dystrophy (EBS5D). Identifiers: MedGen C4225309, MONDO:0014661, OMIM 616487.
Epidermolysis bullosa simplex, Ogna type (EBS5A). Also called: Pidermolysis bullosa simplex 5A, Ogna type; EPIDERMOLYSIS BULLOSA SIMPLEX 5A, OGNA TYPE. Identifiers: Orphanet 79401, MedGen C0432317, MONDO:0007555, OMIM 131950.
Autosomal recessive limb-girdle muscular dystrophy type 2Q (LGMDR17). Also called: MUSCULAR DYSTROPHY, LIMB-GIRDLE, AUTOSOMAL RECESSIVE 17. Identifiers: Orphanet 254361, MedGen C3150989, MONDO:0013390, OMIM 613723.
Epidermolysis bullosa simplex 5B, with muscular dystrophy (EBS5B). Also called: EPIDERMOLYSIS BULLOSA SIMPLEX AND LIMB-GIRDLE MUSCULAR DYSTROPHY; Epidermolysis bullosa simplex with muscular dystrophy. Identifiers: Orphanet 257, MedGen C2931072, MONDO:0009181, OMIM 226670.
Epidermolysis bullosa simplex 5C, with pyloric atresia (EBS5C). Also called: PLEC-Related Epidermolysis Bullosa with Pyloric Atresia; Epidermolysis bullosa simplex with pyloric atresia; PLEC1-Related Epidermolysis Bullosa with Pyloric Atresia. Identifiers: Orphanet 158684, MedGen C2677349, MONDO:0012807, OMIM 612138.

Submission:

Labcorp Genetics (formerly Invitae), Labcorp
Classification: Uncertain significance for Autosomal recessive limb-girdle muscular dystrophy type 2Q; Epidermolysis bullosa simplex, Ogna type; Epidermolysis bullosa simplex with nail dystrophy; Epidermolysis bullosa simplex 5C, with pyloric atresia; Epidermolysis bullosa simplex 5B, with muscular dystrophy. Last evaluated: 2022-12-22. Review status: criteria provided, single submitter. Criteria: Invitae Variant Classification Sherloc (09022015). Collection method: clinical testing. Allele origin: germline.
Comment: This sequence change replaces tyrosine, which is neutral and polar, with serine, which is neutral and polar, at codon 3667 of the PLEC protein (p.Tyr3667Ser). This variant is not present in population databases (gnomAD no frequency). This variant has not been reported in the literature in individuals affected with PLEC-related conditions. Algorithms developed to predict the effect of missense changes on protein structure and function are either unavailable or do not agree on the potential impact of this missense change (SIFT: "Tolerated"; PolyPhen-2: "Probably Damaging"; Align-GVGD: "Class C0"). In summary, the available evidence is currently insufficient to determine the role of this variant in disease. Therefore, it has been classified as a Variant of Uncertain Significance.

NM_201384.3(PLEC):c.10919A>C (p.Tyr3640Ser)

Gene: PLEC (plectin; minus strand). Cytogenetic location: 8q24.3.
Variant type: single nucleotide variant.
Coding change: c.10919A>C on transcript NM_201384.3 (MANE Select); coding-DNA position 10919, A replaced by C.
Protein change: p.Tyr3640Ser; replaces tyrosine 3640 with serine.
Molecular consequence: missense variant.
Genome position (GRCh38, 1-based): chr8:143,918,902, T>G on the plus strand (A>C on the coding strand, the complement: PLEC is on the minus strand). VCF-style: chr8-143918902-T-G. GRCh37 (hg19) VCF-style: chr8-144993070-T-G.
Other names: c.10919A>C, p.Tyr3640Ser (NM_201382.4); c.10931A>C, p.Tyr3644Ser (NM_201383.3); c.11000A>C, p.Tyr3667Ser (NM_000445.5); c.7619A>C, p.Tyr2540Ser (NM_001410941.1); c.10877A>C, p.Tyr3626Ser (NM_201378.4); c.10853A>C, p.Tyr3618Ser (NM_201379.3); c.11330A>C, p.Tyr3777Ser (NM_201380.4); c.10823A>C, p.Tyr3608Ser (NM_201381.3); short protein forms Y3618S, Y3608S, Y3667S, Y2540S, Y3626S, Y3640S, Y3777S, Y3644S.
Identifiers: ClinVar variation 2942586 (VCV002942586.3), dbSNP rs1271519533, ClinGen allele CA372495660.